The following is an entry in ClinVar:

ClinVar aggregate classification (germline): Uncertain significance (1 of 4 stars; one submission).

Submission:

GeneDx
Classification: Uncertain significance. Last evaluated: 2022-08-23. Review status: criteria provided, single submitter. Criteria: GeneDx Variant Classification Process June 2021. Collection method: clinical testing. Allele origin: germline. Affected: yes.
Comment: Not observed at significant frequency in large population cohorts (gnomAD); In silico analysis supports that this missense variant has a deleterious effect on protein structure/function; Has not been previously published as pathogenic or benign to our knowledge

NM_152296.5(ATP1A3):c.199C>T (p.Pro67Ser)

Gene: ATP1A3 (ATPase Na+/K+ transporting subunit alpha 3; minus strand). Cytogenetic location: 19q13.2.
Variant type: single nucleotide variant.
Coding change: c.199C>T on transcript NM_152296.5 (MANE Select); coding-DNA position 199, C replaced by T.
Protein change: p.Pro67Ser; replaces proline 67 with serine.
Molecular consequence: missense variant.
Genome position (GRCh38, 1-based): chr19:41,988,094, G>A on the plus strand (C>T on the coding strand, the complement: ATP1A3 is on the minus strand). VCF-style: chr19-41988094-G-A. GRCh37 (hg19) VCF-style: chr19-42492246-G-A.
Other names: c.232C>T, p.Pro78Ser (NM_001256213.2); c.238C>T, p.Pro80Ser (NM_001256214.2); short protein forms P67S, P78S, P80S.
Identifiers: ClinVar variation 2430962 (VCV002430962.1), dbSNP rs2514084918, ClinGen allele CA406056772.